The following is an entry in ClinVar:

NM_002273.4(KRT8):c.161A>G (p.Tyr54Cys)

Gene: KRT8 (keratin 8; minus strand). Cytogenetic location: 12q13.13.
Variant type: single nucleotide variant.
Coding change: c.161A>G on transcript NM_002273.4 (MANE Select); coding-DNA position 161, A replaced by G.
Protein change: p.Tyr54Cys; replaces tyrosine 54 with cysteine.
Molecular consequence: missense variant. On other transcripts: non-coding transcript variant (1).
Genome position (GRCh38, 1-based): chr12:52,904,821, T>C on the plus strand (A>G on the coding strand, the complement: KRT8 is on the minus strand). VCF-style: chr12-52904821-T-C. GRCh37 (hg19) VCF-style: chr12-53298605-T-C.
Other names: c.245A>G, p.Tyr82Cys (NM_001256282.2); c.161A>G, p.Tyr54Cys (NM_001256293.2); short protein forms Y54C, Y82C.
Identifiers: ClinVar variation 1309232 (VCV001309232.2), dbSNP rs2120583347, ClinGen allele CA384997242.

ClinVar aggregate classification (germline): Uncertain significance (1 of 4 stars; one submission).

Submission:

GeneDx
Classification: Uncertain significance. Last evaluated: 2019-10-07. Review status: criteria provided, single submitter. Criteria: GeneDx Variant Classification Process June 2021. Collection method: clinical testing. Allele origin: germline. Affected: yes.
Comment: Not observed in large population cohorts (Lek et al., 2016); In silico analysis, which includes protein predictors and evolutionary conservation, supports a deleterious effect; Has not been previously published as pathogenic or benign to our knowledge